The following is an entry in ClinVar:

ClinVar aggregate classification (germline): Pathogenic (1 of 4 stars; one submission).

Conditions:
Autosomal dominant nonsyndromic hearing loss 1. Also called: DEAFNESS, AUTOSOMAL DOMINANT 1, WITH OR WITHOUT THROMBOCYTOPENIA; KONIGSMARK SYNDROME. Identifiers: Orphanet 90635, MedGen C1852282, MONDO:0007424, OMIM 124900.
Progressive microcephaly-seizures-cortical blindness-developmental delay syndrome. Also called: Seizures, cortical blindness, and microcephaly syndrome. Identifiers: Orphanet 477814, MedGen C5567650, MONDO:0014714, OMIM 616632.

Allele frequency attached by ClinVar (database versions not stated): gnomAD exomes below 0.00001.
gnomAD v4.1: 3 of 1,614,074 alleles (0.00019%); highest among the groups gnomAD compares: South Asian, 0.0011%; no homozygotes.

Submission:

Labcorp Genetics (formerly Invitae), Labcorp
Classification: Pathogenic for Progressive microcephaly-seizures-cortical blindness-developmental delay syndrome; Autosomal dominant nonsyndromic hearing loss 1. Last evaluated: 2022-01-15. Review status: criteria provided, single submitter. Criteria: Invitae Variant Classification Sherloc (09022015). Collection method: clinical testing. Allele origin: germline.
Comment: This variant has not been reported in the literature in individuals affected with DIAPH1-related conditions. For these reasons, this variant has been classified as Pathogenic. This variant is not present in population databases (gnomAD no frequency). This sequence change creates a premature translational stop signal (p.Arg495*) in the DIAPH1 gene. It is expected to result in an absent or disrupted protein product. Loss-of-function variants in DIAPH1 are known to be pathogenic (PMID: 24781755, 26463574).

Literature cited by the submitters: PubMed 24781755; PubMed 26463574.

NM_005219.5(DIAPH1):c.1483C>T (p.Arg495Ter)

Gene: DIAPH1 (diaphanous related formin 1; minus strand). Cytogenetic location: 5q31.3.
Variant type: single nucleotide variant.
Coding change: c.1483C>T on transcript NM_005219.5 (MANE Select); coding-DNA position 1483, C replaced by T.
Protein change: p.Arg495Ter; replaces arginine 495 with a stop codon.
Molecular consequence: nonsense.
Genome position (GRCh38, 1-based): chr5:141,575,125, G>A on the plus strand (C>T on the coding strand, the complement: DIAPH1 is on the minus strand). VCF-style: chr5-141575125-G-A. GRCh37 (hg19) VCF-style: chr5-140954692-G-A.
Other names: c.1456C>T, p.Arg486Ter (NM_001079812.3); c.1483C>T, p.Arg495Ter (NM_001314007.2); short protein forms R486*, R495*.
Identifiers: ClinVar variation 1949957 (VCV001949957.5), dbSNP rs2513746067, ClinGen allele CA361524439.